The following is an entry in ClinVar:

ClinVar aggregate classification (germline): Likely benign (1 of 4 stars; one submission).

Allele frequency attached by ClinVar (database versions not stated): TOPMed below 0.00001; ExAC 0.00001.

Submission:

CeGaT Center for Human Genetics Tuebingen
Classification: Likely benign. Last evaluated: 2022-03-01. Review status: criteria provided, single submitter. Criteria: CeGaT Center For Human Genetics Tuebingen Variant Classification Criteria Version 2. Collection method: clinical testing. Allele origin: germline. Affected: yes. Observed: 1 variant allele.
Comment: LBR: BP4, BP7

NM_002296.4(LBR):c.975T>C (p.His325=)

Gene: LBR (lamin B receptor; minus strand). Cytogenetic location: 1q42.12.
Variant type: single nucleotide variant.
Coding change: c.975T>C on transcript NM_002296.4 (MANE Select); coding-DNA position 975, T replaced by C.
Protein change: p.His325=; no amino-acid change (histidine 325 retained).
Molecular consequence: synonymous variant.
Genome position (GRCh38, 1-based): chr1:225,412,563, A>G on the plus strand (T>C on the coding strand, the complement: LBR is on the minus strand). VCF-style: chr1-225412563-A-G. GRCh37 (hg19) VCF-style: chr1-225600265-A-G.
Other names: c.975T>C, p.His325= (NM_194442.3).
Identifiers: ClinVar variation 2639961 (VCV002639961.24), dbSNP rs751978730, ClinGen allele CA1417270.